The following is an entry in ClinVar:

NM_001372044.2(SHANK3):c.3322G>A (p.Gly1108Arg)

Gene: SHANK3 (SH3 and multiple ankyrin repeat domains 3; plus strand). Cytogenetic location: 22q13.33.
Variant type: single nucleotide variant.
Coding change: c.3322G>A on transcript NM_001372044.2 (MANE Select); coding-DNA position 3322, G replaced by A.
Protein change: p.Gly1108Arg; replaces glycine 1108 with arginine.
Molecular consequence: missense variant.
Genome position (GRCh38, 1-based): chr22:50,720,930, G>A. VCF-style: chr22-50720930-G-A. GRCh37 (hg19) VCF-style: chr22-51159358-G-A.
Other names: c.3097G>A, p.Gly1033Arg (NM_033517.1); short protein forms G1033R, G1108R.
Identifiers: ClinVar variation 235518 (VCV000235518.3), dbSNP rs1555910097, ClinGen allele CA10581340.
Genomic context (GRCh38, chr22:50,720,930, plus strand): 5'-GGCCCGGCCAAGGACCGGCGGCTGGAGGAGCGGCGCCGCTCCACTGTGTTCCTGTCCGTG[G>A]GGGCCATCGAGGGCAGCGCCCCCGGCGCGGATCTGCCATCCCTACAGCCCTCCCGCTCCA-3'
Protein context (NP_001358973.1, residues 1098-1118): RRRSTVFLSV[Gly1108Arg]AIEGSAPGAD

ClinVar aggregate classification (germline): Uncertain significance (1 of 4 stars; one submission).

Allele frequency attached by ClinVar (database versions not stated): gnomAD exomes below 0.00001; TOPMed 0.00001.

Submission:

Center for Pediatric Genomic Medicine, Children's Mercy Hospital and Clinics
Classification: Uncertain significance. Last evaluated: 2016-05-18. Review status: criteria provided, single submitter. Criteria: ACMG Guidelines, 2015. Collection method: clinical testing. Allele origin: germline.
ClinVar note: Converted during submission from Uncertain Significance to Uncertain significance.